The following is an entry in ClinVar:

ClinVar aggregate classification (germline): Likely pathogenic (1 of 4 stars; one submission).

Conditions:
Neurofibromatosis, type 1 (NF1). Also called: Peripheral type neurofibromatosis; Neurofibromatosis, type I; VON RECKLINGHAUSEN DISEASE; NEUROFIBROMATOSIS, TYPE I, SOMATIC. Identifiers: Orphanet 636, MedGen C0027831, MONDO:0018975, OMIM 162200. Disease mechanism: loss of function.

Submission:

Labcorp Genetics (formerly Invitae), Labcorp
Classification: Likely pathogenic for Neurofibromatosis, type 1. Last evaluated: 2019-12-11. Review status: criteria provided, single submitter. Criteria: Invitae Variant Classification Sherloc (09022015). Collection method: clinical testing. Allele origin: germline.
Comment: This variant results in a copy number gain of the genomic region encompassing exons 30-50 of the NF1 gene. While the exact position of this variant cannot be determined from this data, sub-genic copy number gains are generally in tandem (PMID: 25640679) and may result in an absent or disrupted protein product. This variant has not been reported in the literature in individuals with NF1-related conditions. Loss-of-function variants in NF1 are known to be pathogenic (PMID: 10712197, 23913538). In summary, the currently available evidence indicates that the variant is pathogenic, but additional data are needed to prove that conclusively. Therefore, this variant has been classified as Likely Pathogenic.

Literature cited by the submitters: PubMed 25640679; PubMed 10712197; PubMed 23913538.

NC_000017.11:g.(?_31248974)_(31352424_?)dup

Genes: EVI2A (ecotropic viral integration site 2A; minus strand), EVI2B (ecotropic viral integration site 2B; minus strand), NF1 (neurofibromin 1; plus strand), OMG (oligodendrocyte myelin glycoprotein; minus strand). Cytogenetic location: 17q11.2.
Variant type: Duplication.
Identifiers: ClinVar variation 832415 (VCV000832415.2).